The following is an entry in ClinVar:

ClinVar aggregate classification (germline): Uncertain significance. Review status: reviewed by expert panel (3 of 4 stars). 3 submissions from 3 submitters: Uncertain significance (1). 2 of the submissions do not count toward it. Last evaluated 2024-10-11.

Conditions:
Hereditary factor VIII deficiency disease (HEMA). Also called: AUTOSOMAL HEMOPHILIA A; Hemophilia A; HEMOPHILIA, CLASSIC; Hemophilia A, congenital; HEM A; Factor 8 deficiency, congenital. Identifiers: Orphanet 98878, MedGen C0019069, MONDO:0010602, OMIM 306700.

Submissions (3):

ClinGen Coagulation Factor Deficiency Variant Curation Expert Panel, Clingen
Classification: Uncertain significance for Hereditary factor VIII deficiency disease. Last evaluated: 2024-10-11. Review status: reviewed by expert panel. Criteria: ClinGen CoagFactor ACMG Specifications F8 V1.0.0. Collection method: curation. Allele origin: germline. Inheritance: X-linked inheritance.
Comment: The c.5815G>C variant in F8 is a missense variant predicted to cause substitution of Alanine by Proline at amino acid 1939 in the last codon in exon 17, affecting the A3 domain of Factor VIII. It is reported affecting one individual in EAHAD with FVIII:C 1-stage =<1% with full gene sequencing and deletion/duplication analysis done, therefore it meets the phenotypic criteria for PP4_Moderate to be applied (PMID: 29296726). This variant has been reported in 1 proband with severe hemophilia A. However, PS4_Supporting cannot be applied because the individual also has a c.5493C>G i.e., p.(Thr1831Thr) variant (PMID: 30793713). The computational predictor REVEL gives a score of 0.908, which is above the threshold of 0.6, and Splice AI gives a score of 0.94 for donor loss, which is above the threshold of 0.5 set by the CFD VCEP and is evidence that correlates with impact to F8 function (PP3_Supporting). This variant is absent from gnomAD v2.1.1 (PM2_Supporting). Due to conflicting evidence, this variant is classified as a variant of uncertain significance for Hemophilia A based on the ACMG/AMP criteria applied, as specified by the ClinGen Coagulation Factor Deficiency VCEP for F8 (version 1.0.0, released 10/5/2023): PP4_Moderate, PP3_Supporting, PM2_Supporting.

Genomic Medicine Center of Excellence, King Faisal Specialist Hospital and Research Centre
Classification: Uncertain significance for Hereditary factor VIII deficiency disease. Last evaluated: 2021-04-28. Review status: criteria provided, single submitter. Criteria: ACMG Guidelines, 2015. Collection method: research. Allele origin: germline. Not counted in ClinVar's aggregate classification.

ARUP Laboratories, Molecular Genetics and Genomics, ARUP Laboratories
Classification: Likely pathogenic for Hereditary factor VIII deficiency disease. Last evaluated: 2018-11-09. Review status: criteria provided, single submitter. Criteria: ARUP Molecular Germline Variant Investigation Process. Collection method: clinical testing. Allele origin: germline. Not counted in ClinVar's aggregate classification.
Comment: The F8 c.5815G>C; p.Ala1939Pro variant, to our knowledge, is not described in the medical literature or in gene-specific databases. It is also absent from general population databases (1000 Genomes Project, Exome Variant Server, and Genome Aggregation Database), indicating it is not a common polymorphism. The alanine at codon 1939 is highly conserved, and computational algorithms (PolyPhen-2, SIFT) predict that this variant is deleterious. This variant also occurs at the last nucleotide in the exon and is predicted to weaken the nearby canonical donor splice site (Alamut v.2.11). Additional variants at this position (p.Ala1939Glu, p.Ala1939Ser, and p.Ala1939Thr) have been described in individuals affected with severe hemophilia A and are considered pathogenic (see link to F8 database and references therein). Based on available information, the p.Ala1939Pro variant is considered likely pathogenic. REFERENCES Link to F8 database

NM_000132.4(F8):c.5815G>C (p.Ala1939Pro)

Gene: F8 (coagulation factor VIII; minus strand). Cytogenetic location: Xq28.
Variant type: single nucleotide variant.
Coding change: c.5815G>C on transcript NM_000132.4 (MANE Select); coding-DNA position 5815, G replaced by C.
Protein change: p.Ala1939Pro; replaces alanine 1939 with proline.
Molecular consequence: missense variant.
Genome position (GRCh38, 1-based): chrX:154,904,296, C>G on the plus strand (G>C on the coding strand, the complement: F8 is on the minus strand). VCF-style: chrX-154904296-C-G. GRCh37 (hg19) VCF-style: chrX-154132571-C-G.
Other names: NM_000132.4(F8):c.5815G>C; p.Ala1939Pro; short protein forms A1939P.
Identifiers: ClinVar variation 811810 (VCV000811810.11), dbSNP rs1603432979, ClinGen allele CA414906836.
Genomic context (GRCh38, chrX:154,904,296, plus strand): 5'-CATTTGTCAAAGTGCAATCTGCATTTCACAGTGATAATGTTTGGATGTGGAATATATTAC[C>G]ATGGAAGCGATAATTCTCTTTAAAAGTGGGATCTTCCATCTGGATATTGCAGGGAGCCCT-3'
Protein context (NP_000123.1, residues 1929-1949): PTFKENYRFH[Ala1939Pro]INGYIMDTLP